The following is an entry in ClinVar:

NM_001371986.1(UNC80):c.7759C>T (p.Pro2587Ser)

Gene: UNC80 (unc-80 subunit of NALCN channel complex; plus strand). Cytogenetic location: 2q34.
Variant type: single nucleotide variant.
Coding change: c.7759C>T on transcript NM_001371986.1 (MANE Select); coding-DNA position 7759, C replaced by T.
Protein change: p.Pro2587Ser; replaces proline 2587 with serine.
Molecular consequence: missense variant.
Genome position (GRCh38, 1-based): chr2:209,959,661, C>T. VCF-style: chr2-209959661-C-T. GRCh37 (hg19) VCF-style: chr2-210824385-C-T.
Other names: c.7561C>T, p.Pro2521Ser (NM_032504.2); c.7546C>T, p.Pro2516Ser (NM_182587.4); short protein forms P2587S, P2521S, P2516S.
Identifiers: ClinVar variation 2002647 (VCV002002647.4), dbSNP rs2092528369, ClinGen allele CA350776984.
Genomic context (GRCh38, chr2:209,959,661, plus strand): 5'-ACTGAGTTCTATAAGCACTGTGGGCCACGGCTGAAGATCTTGCAAAATCTGGCTGGGGAG[C>T]CTCGGGTCATTGCCTTGGAACTGCTGGATGTGAAGTCTCACATGAGGTACTGGCCTCGCT-3'
Protein context (NP_001358915.1, residues 2577-2597): LKILQNLAGE[Pro2587Ser]RVIALELLDV

ClinVar aggregate classification (germline): Uncertain significance (1 of 4 stars; one submission).

gnomAD v4.1: 1 of 1,551,642 alleles (0.000064%); highest among the groups gnomAD compares: African/African-American, 0.0014%; no homozygotes.

Submission:

Labcorp Genetics (formerly Invitae), Labcorp
Classification: Uncertain significance. Last evaluated: 2022-06-07. Review status: criteria provided, single submitter. Criteria: Invitae Variant Classification Sherloc (09022015). Collection method: clinical testing. Allele origin: germline.
Comment: In summary, the available evidence is currently insufficient to determine the role of this variant in disease. Therefore, it has been classified as a Variant of Uncertain Significance. Algorithms developed to predict the effect of missense changes on protein structure and function are either unavailable or do not agree on the potential impact of this missense change (SIFT: "Not Available"; PolyPhen-2: "Probably Damaging"; Align-GVGD: "Not Available"). This variant has not been reported in the literature in individuals affected with UNC80-related conditions. This variant is not present in population databases (gnomAD no frequency). This sequence change replaces proline, which is neutral and non-polar, with serine, which is neutral and polar, at codon 2521 of the UNC80 protein (p.Pro2521Ser).